The following is an entry in ClinVar:

ClinVar aggregate classification (germline): Likely benign. Review status: criteria provided, multiple submitters, no conflicts (2 of 4 stars). 4 submissions from 4 submitters: Likely benign (4). Last evaluated 2023-07-10.

Conditions:
Familial hypercholesterolemia. Also called: Familial hypercholesterolemias; Familial hypercholesterolaemia. Identifiers: MedGen C0020445, MONDO:0005439.
Hypercholesterolemia, autosomal dominant, 3 (FHCL3). Also called: PCSK9-Related Familial Hypercholesterolemia, Autosomal Dominant; Familial Hypercholesterolemia, Autosomal Dominant, 3; Familial hypercholesterolemia 3. Identifiers: MedGen C1863551, MONDO:0011369, OMIM 603776.

Allele frequency attached by ClinVar (database versions not stated): gnomAD exomes below 0.00001; TOPMed below 0.00001.

Submissions (4):

All of Us Research Program, National Institutes of Health
Classification: Likely benign for Hypercholesterolemia, autosomal dominant, 3. Last evaluated: 2023-07-10. Review status: criteria provided, single submitter. Criteria: ACMG Guidelines, 2015. Collection method: clinical testing. Allele origin: germline. Inheritance: Autosomal dominant inheritance. Observed: 1 variant allele, 1 heterozygote.
Comment: This study involves interpretation of variants in research participants for the purpose of population health screening. Participant phenotype was not available at the time of variant classification. Additional details can be found in publication PMID: 35346344, PMCID: PMC8962531

Color Diagnostics, LLC DBA Color Health
Classification: Likely benign for Familial hypercholesterolemia. Last evaluated: 2023-06-28. Review status: criteria provided, single submitter. Criteria: ACMG Guidelines, 2015. Collection method: clinical testing. Allele origin: germline.

Blueprint Genetics
Classification: Likely benign. Last evaluated: 2022-09-20. Review status: criteria provided, single submitter. Criteria: ACMG Guidelines, 2015. Collection method: clinical testing. Allele origin: germline.

Labcorp Genetics (formerly Invitae), Labcorp
Classification: Likely benign for Hypercholesterolemia, autosomal dominant, 3. Last evaluated: 2021-08-29. Review status: criteria provided, single submitter. Criteria: Invitae Variant Classification Sherloc (09022015). Collection method: clinical testing. Allele origin: germline.

NM_174936.4(PCSK9):c.351C>T (p.Gly117=)

Gene: PCSK9 (proprotein convertase subtilisin/kexin type 9; plus strand). Cytogenetic location: 1p32.3.
Variant type: single nucleotide variant.
Coding change: c.351C>T on transcript NM_174936.4 (MANE Select); coding-DNA position 351, C replaced by T.
Protein change: p.Gly117=; no amino-acid change (glycine 117 retained).
Molecular consequence: synonymous variant.
Genome position (GRCh38, 1-based): chr1:55,043,986, C>T. VCF-style: chr1-55043986-C-T. GRCh37 (hg19) VCF-style: chr1-55509659-C-T.
Identifiers: ClinVar variation 1457291 (VCV001457291.10), dbSNP rs1644616384, ClinGen allele CA417957557.